The following is an entry in ClinVar:

NM_020964.3(EPG5):c.5854G>A (p.Ala1952Thr)

Gene: EPG5 (ectopic P-granules 5 autophagy tethering factor; minus strand). Cytogenetic location: 18q12.3.
Variant type: single nucleotide variant.
Coding change: c.5854G>A on transcript NM_020964.3 (MANE Select); coding-DNA position 5854, G replaced by A.
Protein change: p.Ala1952Thr; replaces alanine 1952 with threonine.
Molecular consequence: missense variant.
Genome position (GRCh38, 1-based): chr18:45,879,028, C>T on the plus strand (G>A on the coding strand, the complement: EPG5 is on the minus strand). VCF-style: chr18-45879028-C-T. GRCh37 (hg19) VCF-style: chr18-43458993-C-T.
Other names: c.5854G>A (NM_020964.2); short protein forms A1952T.
Identifiers: ClinVar variation 1021258 (VCV001021258.9), dbSNP rs111806310, ClinGen allele CA299710846.
Genomic context (GRCh38, chr18:45,879,028, plus strand): 5'-GAAAGTCCAAACACCTAGCTCCACATCGCATGAGAAGTATATTACCTGTTTTCCTGCTGG[C>T]AGTTGGGTCTTGGGCCAAACAGGTCATTTCTAAGTCAATCAGCCTTTTCACAAGGTAGCC-3'
Protein context (NP_066015.2, residues 1942-1962): EMTCLAQDPT[Ala1952Thr]SRKTVLKSLH

ClinVar aggregate classification (germline): Uncertain significance. Review status: criteria provided, multiple submitters, no conflicts (2 of 4 stars). 2 submissions from 2 submitters: Uncertain significance (2). Last evaluated 2024-12-16.

Conditions:
Inborn genetic diseases. Identifiers: MedGen C0950123, MeSH D030342.
Vici syndrome (VICIS). Identifiers: Orphanet 1493, MedGen C1855772, MONDO:0009452, OMIM 242840.

Allele frequency attached by ClinVar (database versions not stated): TOPMed below 0.00001; gnomAD exomes 0.00001.
gnomAD v4.1: 27 of 1,614,120 alleles (0.0017%); highest among the groups gnomAD compares: African/African-American, 0.016%; 2 homozygotes.

Submissions (2):

Labcorp Genetics (formerly Invitae), Labcorp
Classification: Uncertain significance for Vici syndrome. Last evaluated: 2024-12-16. Review status: criteria provided, single submitter. Criteria: Invitae Variant Classification Sherloc (09022015). Collection method: clinical testing. Allele origin: germline.
Comment: This sequence change replaces alanine, which is neutral and non-polar, with threonine, which is neutral and polar, at codon 1952 of the EPG5 protein (p.Ala1952Thr). This variant is not present in population databases (gnomAD no frequency). This variant has not been reported in the literature in individuals affected with EPG5-related conditions. ClinVar contains an entry for this variant (Variation ID: 1021258). Invitae Evidence Modeling of protein sequence and biophysical properties (such as structural, functional, and spatial information, amino acid conservation, physicochemical variation, residue mobility, and thermodynamic stability) indicates that this missense variant is not expected to disrupt EPG5 protein function with a negative predictive value of 80%. In summary, the available evidence is currently insufficient to determine the role of this variant in disease. Therefore, it has been classified as a Variant of Uncertain Significance.

Ambry Genetics
Classification: Uncertain significance for Inborn genetic diseases. Last evaluated: 2022-06-24. Review status: criteria provided, single submitter. Criteria: Ambry Variant Classification Scheme 2023. Collection method: clinical testing. Allele origin: germline.